The following is an entry in ClinVar:

NM_000297.4(PKD2):c.2480G>A (p.Arg827Lys)

Gene: PKD2 (polycystin 2, transient receptor potential cation channel; plus strand). Cytogenetic location: 4q22.1.
Variant type: single nucleotide variant.
Coding change: c.2480G>A on transcript NM_000297.4 (MANE Select); coding-DNA position 2480, G replaced by A.
Protein change: p.Arg827Lys; replaces arginine 827 with lysine.
Molecular consequence: missense variant. On other transcripts: non-coding transcript variant (1).
Genome position (GRCh38, 1-based): chr4:88,068,019, G>A. VCF-style: chr4-88068019-G-A. GRCh37 (hg19) VCF-style: chr4-88989171-G-A.
Other names: c.2480G>A (NM_000297.3); short protein forms R827K.
Identifiers: ClinVar variation 3708176 (VCV003708176.3).

ClinVar aggregate classification (germline): Benign/Likely benign. Review status: criteria provided, multiple submitters, no conflicts (2 of 4 stars). 2 submissions from 2 submitters: Benign (1); Likely benign (1). Last evaluated 2026-01-09.

Conditions:
PKD2-related disorder. Also called: PKD2-related condition.
Autosomal dominant polycystic kidney disease. Identifiers: Orphanet 730, MedGen C0085413, MONDO:0004691.

gnomAD v4.1: 175 of 1,614,112 alleles (0.011%); highest among the groups gnomAD compares: South Asian, 0.19%; 2 homozygotes.

Submissions (2):

PreventionGenetics, part of Exact Sciences
Classification: Likely benign for PKD2-related condition. Last evaluated: 2026-01-09. Review status: criteria provided, single submitter. Criteria: ACMG Guidelines, 2015. Collection method: clinical testing. Allele origin: germline.
Comment: This variant is classified as likely benign based on ACMG/AMP sequence variant interpretation guidelines (Richards et al. 2015 PMID: 25741868, with internal and published modifications).

Labcorp Genetics (formerly Invitae), Labcorp
Classification: Benign for Autosomal dominant polycystic kidney disease. Last evaluated: 2025-01-29. Review status: criteria provided, single submitter. Criteria: Invitae Variant Classification Sherloc (09022015). Collection method: clinical testing. Allele origin: germline.